The following is an entry in ClinVar:

NM_006084.5(IRF9):c.1016T>C (p.Leu339Pro)

Gene: IRF9 (interferon regulatory factor 9; plus strand). Cytogenetic location: 14q12.
Variant type: single nucleotide variant.
Coding change: c.1016T>C on transcript NM_006084.5 (MANE Select); coding-DNA position 1016, T replaced by C.
Protein change: p.Leu339Pro; replaces leucine 339 with proline.
Molecular consequence: missense variant. On other transcripts: synonymous variant (2).
Genome position (GRCh38, 1-based): chr14:24,165,871, T>C. VCF-style: chr14-24165871-T-C. GRCh37 (hg19) VCF-style: chr14-24635080-T-C.
Other names: c.1170T>C, p.Pro390= (NM_001385400.1); c.1043T>C, p.Leu348Pro (NM_001385401.1); c.753T>C, p.Pro251= (NM_001385402.1); short protein forms L348P, L339P.
Identifiers: ClinVar variation 3724911 (VCV003724911.2).
Genomic context (GRCh38, chr14:24,165,871, plus strand): 5'-TTTTGTTCTTCGAACCCTTGACCCTTTCTCTTTCAGACTTGGTCAGGTACTTTCAGGGCC[T>C]GGGCCCCCCACCGAAGTTCCAGGTAACACTGAATTTCTGGGAAGAGAGCCATGGCTCCAG-3'
Protein context (NP_006075.3, residues 329-349): CRDLVRYFQG[Leu339Pro]GPPPKFQVTL

ClinVar aggregate classification (germline): Uncertain significance (1 of 4 stars; one submission).

Submission:

Labcorp Genetics (formerly Invitae), Labcorp
Classification: Uncertain significance. Last evaluated: 2024-11-10. Review status: criteria provided, single submitter. Criteria: Invitae Variant Classification Sherloc (09022015). Collection method: clinical testing. Allele origin: germline.
Comment: This sequence change replaces leucine, which is neutral and non-polar, with proline, which is neutral and non-polar, at codon 339 of the IRF9 protein (p.Leu339Pro). This variant is not present in population databases (gnomAD no frequency). This variant has not been reported in the literature in individuals affected with IRF9-related conditions. An algorithm developed to predict the effect of missense changes on protein structure and function (PolyPhen-2) suggests that this variant is likely to be disruptive. In summary, the available evidence is currently insufficient to determine the role of this variant in disease. Therefore, it has been classified as a Variant of Uncertain Significance.